The following is an entry in ClinVar:

ClinVar aggregate classification (germline): Uncertain significance (1 of 4 stars; one submission).

Conditions:
Autosomal dominant childhood-onset proximal spinal muscular atrophy with contractures (SMALED2A). Also called: Spinal muscular atrophy, lower extremity-predominant, 2A, autosomal dominant; SPINAL MUSCULAR ATROPHY, LOWER EXTREMITY-PREDOMINANT, 2A, CHILDHOOD ONSET, AUTOSOMAL DOMINANT. Identifiers: Orphanet 363447, Orphanet 363454, MedGen C4747715, MONDO:0014121, OMIM 615290.

Submission:

Labcorp Genetics (formerly Invitae), Labcorp
Classification: Uncertain significance for Autosomal dominant childhood-onset proximal spinal muscular atrophy with contractures. Last evaluated: 2024-01-02. Review status: criteria provided, single submitter. Criteria: Invitae Variant Classification Sherloc (09022015). Collection method: clinical testing. Allele origin: germline.
Comment: This sequence change creates a premature translational stop signal (p.Ser256Alafs*10) in the BICD2 gene. It is expected to result in an absent or disrupted protein product. However, the current clinical and genetic evidence is not sufficient to establish whether loss-of-function variants in BICD2 cause disease. This variant is not present in population databases (gnomAD no frequency). This variant has not been reported in the literature in individuals affected with BICD2-related conditions. ClinVar contains an entry for this variant (Variation ID: 2132542). In summary, the available evidence is currently insufficient to determine the role of this variant in disease. Therefore, it has been classified as a Variant of Uncertain Significance.

NM_001003800.2(BICD2):c.766del (p.Ser256fs)

Gene: BICD2 (BICD cargo adaptor 2; minus strand). Cytogenetic location: 9q22.31.
Variant type: Deletion.
Coding change: c.766del on transcript NM_001003800.2 (MANE Select); coding-DNA position 766, one base deleted (A; older notation c.766delA).
Protein change: p.Ser256fs; shifts the reading frame from serine 256.
Molecular consequence: frameshift variant.
Genome position (GRCh38, 1-based): chr9:92,720,596, T deleted on the plus strand (A on the coding strand, the reverse complement: BICD2 is on the minus strand). VCF-style (leftmost placement, unchanged base first): chr9-92720595-CT-C. GRCh37 (hg19) VCF-style: chr9-95482877-CT-C.
Other names: c.766del, p.Ser256fs (NM_015250.4); short protein forms S256fs.
Identifiers: ClinVar variation 2132542 (VCV002132542.4), dbSNP rs2490452321, ClinGen allele CA2580080674.